The following is an entry in ClinVar:

ClinVar aggregate classification (germline): Uncertain significance (1 of 4 stars; one submission).

Allele frequency attached by ClinVar (database versions not stated): ExAC 0.00003; gnomAD exomes 0.00004 and 0.00006; gnomAD 0.00013; TOPMed 0.00017; ESP Exome Variant Server 0.00023.
gnomAD v4.1: 85 of 1,613,978 alleles (0.0053%); highest among the groups gnomAD compares: African/African-American, 0.029%; no homozygotes.

Submission:

Labcorp Genetics (formerly Invitae), Labcorp
Classification: Uncertain significance. Last evaluated: 2025-08-11. Review status: criteria provided, single submitter. Criteria: Invitae Variant Classification Sherloc (09022015). Collection method: clinical testing. Allele origin: germline.
Comment: This sequence change replaces alanine, which is neutral and non-polar, with valine, which is neutral and non-polar, at codon 1037 of the MCM3AP protein (p.Ala1037Val). This variant is present in population databases (rs150103441, gnomAD 0.03%). This variant has not been reported in the literature in individuals affected with MCM3AP-related conditions. ClinVar contains an entry for this variant (Variation ID: 1445587). An algorithm developed to predict the effect of missense changes on protein structure and function outputs the following: PolyPhen-2: "Benign". The valine amino acid residue is found in multiple mammalian species, which suggests that this missense change does not adversely affect protein function. In summary, the available evidence is currently insufficient to determine the role of this variant in disease. Therefore, it has been classified as a Variant of Uncertain Significance.

NM_003906.5(MCM3AP):c.3110C>T (p.Ala1037Val)

Gene: MCM3AP (minichromosome maintenance complex component 3 associated protein; minus strand). Cytogenetic location: 21q22.3.
Variant type: single nucleotide variant.
Coding change: c.3110C>T on transcript NM_003906.5 (MANE Select); coding-DNA position 3110, C replaced by T.
Protein change: p.Ala1037Val; replaces alanine 1037 with valine.
Molecular consequence: missense variant.
Genome position (GRCh38, 1-based): chr21:46,265,445, G>A on the plus strand (C>T on the coding strand, the complement: MCM3AP is on the minus strand). VCF-style: chr21-46265445-G-A. GRCh37 (hg19) VCF-style: chr21-47685359-G-A.
Other names: short protein forms A1037V.
Identifiers: ClinVar variation 1445587 (VCV001445587.6), dbSNP rs150103441, ClinGen allele CA10076617.